The following is an entry in ClinVar:

NM_000142.5(FGFR3):c.944A>C (p.Asn315Thr)

Gene: FGFR3 (fibroblast growth factor receptor 3; plus strand). Cytogenetic location: 4p16.3.
Variant type: single nucleotide variant.
Coding change: c.944A>C on transcript NM_000142.5 (MANE Select); coding-DNA position 944, A replaced by C.
Protein change: p.Asn315Thr; replaces asparagine 315 with threonine.
Molecular consequence: missense variant. On other transcripts: non-coding transcript variant (1), intron variant (2).
Genome position (GRCh38, 1-based): chr4:1,803,705, A>C. VCF-style: chr4-1803705-A-C. GRCh37 (hg19) VCF-style: chr4-1805432-A-C.
Other names: c.944A>C, p.Asn315Thr (NM_001354809.2, NM_001354810.2); c.1082-625A>C (NM_001163213.2); c.931-1119A>C (NM_022965.4); short protein forms N315T.
Identifiers: ClinVar variation 2315704 (VCV002315704.5), dbSNP rs371410933, ClinGen allele CA2810138.

ClinVar aggregate classification (germline): Uncertain significance. Review status: criteria provided, multiple submitters, no conflicts (2 of 4 stars). 2 submissions from 2 submitters: Uncertain significance (2). Last evaluated 2023-03-23.

Conditions:
Inborn genetic diseases. Identifiers: MedGen C0950123, MeSH D030342.

Allele frequency attached by ClinVar (database versions not stated): gnomAD exomes below 0.00001; ExAC 0.00001; gnomAD 0.00001; ESP Exome Variant Server 0.00008.
gnomAD v4.1: 7 of 1,613,624 alleles (0.00043%); highest among the groups gnomAD compares: African/African-American, 0.0067%; no homozygotes.

Submissions (2):

Labcorp Genetics (formerly Invitae), Labcorp
Classification: Uncertain significance. Last evaluated: 2023-03-23. Review status: criteria provided, single submitter. Criteria: Invitae Variant Classification Sherloc (09022015). Collection method: clinical testing. Allele origin: germline.
Comment: This sequence change replaces asparagine, which is neutral and polar, with threonine, which is neutral and polar, at codon 315 of the FGFR3 protein (p.Asn315Thr). This variant is present in population databases (rs371410933, gnomAD 0.008%). This variant has not been reported in the literature in individuals affected with FGFR3-related conditions. ClinVar contains an entry for this variant (Variation ID: 2315704). Advanced modeling of protein sequence and biophysical properties (such as structural, functional, and spatial information, amino acid conservation, physicochemical variation, residue mobility, and thermodynamic stability) has been performed at Invitae for this missense variant, however the output from this modeling did not meet the statistical confidence thresholds required to predict the impact of this variant on FGFR3 protein function. In summary, the available evidence is currently insufficient to determine the role of this variant in disease. Therefore, it has been classified as a Variant of Uncertain Significance.

Ambry Genetics
Classification: Uncertain significance for Inborn genetic diseases. Last evaluated: 2022-10-03. Review status: criteria provided, single submitter. Criteria: Ambry Variant Classification Scheme 2023. Collection method: clinical testing. Allele origin: germline.